The following is an entry in ClinVar:

ClinVar aggregate classification (germline): Uncertain significance (1 of 4 stars; one submission).

Conditions:
Cornelia de Lange syndrome 5 (CDLS5). Also called: HDAC8-Related Cornelia de Lange Syndrome. Identifiers: Orphanet 199, MedGen C3550903, MONDO:0010471, OMIM 300882.

Submission:

Labcorp Genetics (formerly Invitae), Labcorp
Classification: Uncertain significance for Cornelia de Lange syndrome 5. Last evaluated: 2024-01-19. Review status: criteria provided, single submitter. Criteria: Invitae Variant Classification Sherloc (09022015). Collection method: clinical testing. Allele origin: unknown.
Comment: This variant results in a copy number gain of the genomic region encompassing exon(s) 10-11 of the HDAC8 gene. This region includes the termination codon of the gene. This copy number gain extends beyond the assayed region for this gene and therefore may encompass additional genes. As the precise location of this event is unknown, it may be in tandem or it may be located elsewhere in the genome. This variant has not been reported in the literature in individuals affected with HDAC8-related conditions. In summary, the available evidence is currently insufficient to determine the role of this variant in disease. Therefore, it has been classified as a Variant of Uncertain Significance.

NC_000023.10:g.(?_71549904)_(71571708_?)dup

Gene: HDAC8 (histone deacetylase 8; minus strand). Cytogenetic location: Xq13.1.
Variant type: Duplication.
Identifiers: ClinVar variation 3245537 (VCV003245537.1).